The following is an entry in ClinVar:

ClinVar aggregate classification (germline): Uncertain significance (1 of 4 stars; one submission).

Submission:

Labcorp Genetics (formerly Invitae), Labcorp
Classification: Uncertain significance. Last evaluated: 2025-08-01. Review status: criteria provided, single submitter. Criteria: Invitae Variant Classification Sherloc (09022015). Collection method: clinical testing. Allele origin: germline.
Comment: This sequence change replaces threonine, which is neutral and polar, with proline, which is neutral and non-polar, at codon 99 of the CFH protein (p.Thr99Pro). This variant is not present in population databases (gnomAD no frequency). This variant has not been reported in the literature in individuals affected with CFH-related conditions. ClinVar contains an entry for this variant (Variation ID: 3620402). An algorithm developed to predict the effect of missense changes on protein structure and function (PolyPhen-2) suggests that this variant is likely to be disruptive. In summary, the available evidence is currently insufficient to determine the role of this variant in disease. Therefore, it has been classified as a Variant of Uncertain Significance.

NM_000186.4(CFH):c.295A>C (p.Thr99Pro)

Gene: CFH (complement factor H; plus strand). Cytogenetic location: 1q31.3.
Variant type: single nucleotide variant.
Coding change: c.295A>C on transcript NM_000186.4 (MANE Select); coding-DNA position 295, A replaced by C.
Protein change: p.Thr99Pro; replaces threonine 99 with proline.
Molecular consequence: missense variant.
Genome position (GRCh38, 1-based): chr1:196,673,907, A>C. VCF-style: chr1-196673907-A-C. GRCh37 (hg19) VCF-style: chr1-196643037-A-C.
Other names: c.295A>C, p.Thr99Pro (NM_001014975.3); short protein forms T99P.
Identifiers: ClinVar variation 3620402 (VCV003620402.2).